The following is an entry in ClinVar:

ClinVar aggregate classification (germline): Likely benign. Review status: criteria provided, multiple submitters, no conflicts (2 of 4 stars). 3 submissions from 3 submitters: Likely benign (3). Last evaluated 2026-01-21.

Allele frequency attached by ClinVar (database versions not stated): ExAC 0.00003; TOPMed 0.00005; gnomAD exomes 0.00008 and 0.00014; gnomAD 0.00009 and 0.00010; ESP Exome Variant Server 0.00029.
gnomAD v4.1: 213 of 1,610,264 alleles (0.013%); highest among the groups gnomAD compares: Non-Finnish European, 0.016%; no homozygotes.

Submissions (3):

Labcorp Genetics (formerly Invitae), Labcorp
Classification: Likely benign. Last evaluated: 2026-01-21. Review status: criteria provided, single submitter. Criteria: Invitae Variant Classification Sherloc (09022015). Collection method: clinical testing. Allele origin: germline.

Blueprint Genetics
Classification: Likely benign. Last evaluated: 2024-05-13. Review status: criteria provided, single submitter. Criteria: ACMG Guidelines, 2015. Collection method: clinical testing. Allele origin: germline.

CeGaT Center for Human Genetics Tuebingen
Classification: Likely benign. Last evaluated: 2022-07-01. Review status: criteria provided, single submitter. Criteria: CeGaT Center For Human Genetics Tuebingen Variant Classification Criteria Version 2. Collection method: clinical testing. Allele origin: germline. Affected: yes. Observed: 1 variant allele.
Comment: TCF3: BP4, BP7

NM_001136139.4(TCF3):c.1765C>T (p.Leu589=)

Gene: TCF3 (transcription factor 3; minus strand). Cytogenetic location: 19p13.3.
Variant type: single nucleotide variant.
Coding change: c.1765C>T on transcript NM_001136139.4 (MANE Plus Clinical); coding-DNA position 1765, C replaced by T.
Protein change: p.Leu589=; no amino-acid change (leucine 589 retained).
Molecular consequence: synonymous variant. On other transcripts: intron variant (2).
Genome position (GRCh38, 1-based): chr19:1,612,255, G>A on the plus strand (C>T on the coding strand, the complement: TCF3 is on the minus strand). VCF-style: chr19-1612255-G-A. GRCh37 (hg19) VCF-style: chr19-1612254-G-A.
Other names: c.1765C>T, p.Leu589= (NM_001351779.2); c.1820-406C>T (NM_001351778.2); c.1823-406C>T (NM_003200.5).
Identifiers: ClinVar variation 1638550 (VCV001638550.33), dbSNP rs367544972, ClinGen allele CA9049560.